The following is an entry in ClinVar:

ClinVar aggregate classification (germline): Uncertain significance (1 of 4 stars; one submission).

Submission:

CeGaT Center for Human Genetics Tuebingen
Classification: Uncertain significance. Last evaluated: 2026-09-01. Review status: criteria provided, single submitter. Criteria: CeGaT Center For Human Genetics Tuebingen Variant Classification Criteria Version 2. Collection method: clinical testing. Allele origin: germline. Affected: yes. Observed: 1 variant allele.
Comment: CYP19A1: PM2, BP4

NM_000103.4(CYP19A1):c.5T>C (p.Val2Ala)

Genes: CYP19A1 (cytochrome P450 family 19 subfamily A member 1; minus strand), MIR4713HG (MIR4713 host gene; plus strand), PIRC66 (piwi-interacting RNA cluster 66; plus strand), LOC110386951 (CYP19A1 promoter II/1.3; plus strand). Cytogenetic location: 15q21.2.
Variant type: single nucleotide variant.
Coding change: c.5T>C on transcript NM_000103.4 (MANE Select); coding-DNA position 5, T replaced by C.
Protein change: p.Val2Ala; replaces valine 2 with alanine.
Molecular consequence: missense variant.
Genome position (GRCh38, 1-based): chr15:51,242,908, A>G on the plus strand (T>C on the coding strand, the complement: CYP19A1 is on the minus strand). VCF-style: chr15-51242908-A-G. GRCh37 (hg19) VCF-style: chr15-51535105-A-G.
Other names: c.5T>C, p.Val2Ala (NM_001347248.1, NM_001347249.2, NM_001347250.2 and 7 more transcripts); short protein forms V2A.
Identifiers: ClinVar variation 5041375 (VCV005041375.1).